The following is an entry in ClinVar:

NM_181552.4(CUX1):c.4300_4307dup (p.Ser1436fs)

Gene: CUX1 (cut like homeobox 1; plus strand). Cytogenetic location: 7q22.1.
Variant type: Duplication.
Coding change: c.4300_4307dup on transcript NM_181552.4 (MANE Select); coding-DNA positions 4300 to 4307, 8 bases duplicated (GCCCCGAG; older notation c.4300_4307dupGCCCCGAG).
Protein change: p.Ser1436fs; shifts the reading frame from serine 1436.
Molecular consequence: frameshift variant. On other transcripts: intron variant (5).
Genome position (GRCh38, 1-based): chr7:102,248,824-102,248,831, GCCCCGAG duplicated; duplicating any 8 consecutive bases within chr7:102,248,823-102,248,831 gives the same sequence; the c. name uses the placement nearest the transcript's 3' end. VCF-style (leftmost placement, unchanged base first): chr7-102248822-C-CGGCCCCGA. GRCh37 (hg19) VCF-style: chr7-101892102-C-CGGCCCCGA.
Other names: c.4333_4340dup, p.Ser1447fs (NM_001202543.2); c.1256-24542_1256-24535dup (NM_001913.5); c.1250-24542_1250-24535dup (NM_181500.4); c.1118-24542_1118-24535dup (NM_001202545.3); c.1208-24542_1208-24535dup (NM_001202544.3); c.1139-24542_1139-24535dup (NM_001202546.3); short protein forms S1436fs, S1447fs.
Identifiers: ClinVar variation 3390664 (VCV003390664.1).
Genomic context (GRCh38, chr7:102,248,822, plus strand): 5'-CGCCCGCGGCCCCCGAGGACGCCGCTACCTCAGCCGCCGCCGCGCCGGGGGAGGGCCCCG[C>CGGCCCCGA]GGCCCCGAGCTCCGCGCCGCCGCCCAGCAACAGCAGCAGCAGCAGCGCCCCCCGCAGGCC-3'

ClinVar aggregate classification (germline): Uncertain significance (1 of 4 stars; one submission).

Submission:

GeneDx
Classification: Uncertain significance. Last evaluated: 2024-06-05. Review status: criteria provided, single submitter. Criteria: GeneDx Variant Classification Process June 2021. Collection method: clinical testing. Allele origin: germline. Affected: yes.
Comment: Frameshift variant predicted to result in abnormal protein length as the last 70 amino acids are replaced with 51 different amino acids; Not observed at significant frequency in large population cohorts (gnomAD); Has not been previously published as pathogenic or benign to our knowledge